The following is an entry in ClinVar:

ClinVar aggregate classification (germline): Pathogenic (1 of 4 stars; one submission).

Submission:

Labcorp Genetics (formerly Invitae), Labcorp
Classification: Pathogenic. Last evaluated: 2023-07-19. Review status: criteria provided, single submitter. Criteria: Invitae Variant Classification Sherloc (09022015). Collection method: clinical testing. Allele origin: germline.
Comment: For these reasons, this variant has been classified as Pathogenic. This variant has not been reported in the literature in individuals affected with ERCC2-related conditions. This variant is not present in population databases (gnomAD no frequency). This sequence change creates a premature translational stop signal (p.Thr415Profs*69) in the ERCC2 gene. It is expected to result in an absent or disrupted protein product. Loss-of-function variants in ERCC2 are known to be pathogenic (PMID: 9238033, 11335038, 19085937, 19934020).

Literature cited by the submitters: PubMed 9238033; PubMed 11335038; PubMed 19085937; PubMed 19934020.

NM_000400.4(ERCC2):c.1243del (p.Thr415fs)

Gene: ERCC2 (ERCC excision repair 2, TFIIH core complex helicase subunit; minus strand). Cytogenetic location: 19q13.32.
Variant type: Deletion.
Coding change: c.1243del on transcript NM_000400.4 (MANE Select); coding-DNA position 1243, one base deleted (A; older notation c.1243delA).
Protein change: p.Thr415fs; shifts the reading frame from threonine 415.
Molecular consequence: frameshift variant.
Genome position (GRCh38, 1-based): chr19:45,357,694, T deleted on the plus strand (A on the coding strand, the reverse complement: ERCC2 is on the minus strand). VCF-style (leftmost placement, unchanged base first): chr19-45357693-GT-G. GRCh37 (hg19) VCF-style: chr19-45860951-GT-G.
Other names: short protein forms T415fs.
Identifiers: ClinVar variation 2745004 (VCV002745004.3), dbSNP rs2514014150, ClinGen allele CA2697556618.
Genomic context (GRCh38, chr19:45,357,693, plus strand): 5'-AAGTGCAGGATGGGGTTGGCAATGGTCGGGGTTCTGTCGTCAAAGGGCTCGATGATGATG[GT>G]GAAGCCTGCAGAGGGCAGGCAAGGAGGGGTGAGATTACCCCACTACAGCCACAGCTGCAC-3'